The following is an entry in ClinVar:

NM_020461.4(TUBGCP6):c.3145C>T (p.Arg1049Trp)

Gene: TUBGCP6 (tubulin gamma complex component 6; minus strand). Cytogenetic location: 22q13.33.
Variant type: single nucleotide variant.
Coding change: c.3145C>T on transcript NM_020461.4 (MANE Select); coding-DNA position 3145, C replaced by T.
Protein change: p.Arg1049Trp; replaces arginine 1049 with tryptophan.
Molecular consequence: missense variant.
Genome position (GRCh38, 1-based): chr22:50,221,214, G>A on the plus strand (C>T on the coding strand, the complement: TUBGCP6 is on the minus strand). VCF-style: chr22-50221214-G-A. GRCh37 (hg19) VCF-style: chr22-50659643-G-A.
Other names: short protein forms R1049W.
Identifiers: ClinVar variation 942801 (VCV000942801.8), dbSNP rs774678517, ClinGen allele CA10308042.
Genomic context (GRCh38, chr22:50,221,214, plus strand): 5'-CTGACACATTCTCCCCGACCCTGATGCTGGCGTCAGACACGTGCCCGTGGGTGTTCCACC[G>A]TGGCCGGGTGGGAGCTATTTCAGAAGCGTAGTCCCCTGTGGGAAGACCACCCCCTGACAC-3'
Protein context (NP_065194.3, residues 1039-1059): YASEIAPTRP[Arg1049Trp]WNTHGHVSDA

ClinVar aggregate classification (germline): Uncertain significance. Review status: criteria provided, multiple submitters, no conflicts (2 of 4 stars). 2 submissions from 2 submitters: Uncertain significance (2). Last evaluated 2024-07-16.

Conditions:
Inborn genetic diseases. Identifiers: MedGen C0950123, MeSH D030342.

Allele frequency attached by ClinVar (database versions not stated): gnomAD exomes 0.00004; TOPMed 0.00003; ExAC 0.00004; gnomAD 0.00004.
gnomAD v4.1: 59 of 1,614,032 alleles (0.0037%); highest among the groups gnomAD compares: East Asian, 0.036%; no homozygotes.

Submissions (2):

Ambry Genetics
Classification: Uncertain significance for Inborn genetic diseases. Last evaluated: 2024-07-16. Review status: criteria provided, single submitter. Criteria: Ambry Variant Classification Scheme 2023. Collection method: clinical testing. Allele origin: germline.

Labcorp Genetics (formerly Invitae), Labcorp
Classification: Uncertain significance. Last evaluated: 2021-08-31. Review status: criteria provided, single submitter. Criteria: Invitae Variant Classification Sherloc (09022015). Collection method: clinical testing. Allele origin: germline.
Comment: This sequence change replaces arginine with tryptophan at codon 1049 of the TUBGCP6 protein (p.Arg1049Trp). The arginine residue is weakly conserved and there is a moderate physicochemical difference between arginine and tryptophan. This variant is present in population databases (rs774678517, ExAC 0.03%). This variant has not been reported in the literature in individuals affected with TUBGCP6-related conditions. Algorithms developed to predict the effect of missense changes on protein structure and function are either unavailable or do not agree on the potential impact of this missense change (SIFT: "Tolerated"; PolyPhen-2: "Possibly Damaging"; Align-GVGD: "Class C0"). In summary, the available evidence is currently insufficient to determine the role of this variant in disease. Therefore, it has been classified as a Variant of Uncertain Significance.